The following is an entry in ClinVar:

NM_001849.4(COL6A2):c.2599C>T (p.Arg867Trp)

Gene: COL6A2 (collagen type VI alpha 2 chain; plus strand). Cytogenetic location: 21q22.3.
Variant type: single nucleotide variant.
Coding change: c.2599C>T on transcript NM_001849.4 (MANE Select); coding-DNA position 2599, C replaced by T.
Protein change: p.Arg867Trp; replaces arginine 867 with tryptophan.
Molecular consequence: missense variant.
Genome position (GRCh38, 1-based): chr21:46,132,091, C>T. VCF-style: chr21-46132091-C-T. GRCh37 (hg19) VCF-style: chr21-47552005-C-T.
Other names: short protein forms R867W.
Identifiers: ClinVar variation 281164 (VCV000281164.42), dbSNP rs144484744, ClinGen allele CA10072942.

ClinVar aggregate classification (germline): Benign/Likely benign. Review status: criteria provided, multiple submitters, no conflicts (2 of 4 stars). 6 submissions from 6 submitters: Benign (1); Likely benign (4). 1 of the submissions does not count toward it. Last evaluated 2026-09-01.

Conditions:
COL6A2-related disorder.
Bethlem myopathy 1A. Also called: Bethlem Muscular Dystrophy; MYOPATHY, BENIGN CONGENITAL, WITH CONTRACTURES; Bethlem myopathy 1. Identifiers: Orphanet 610, MedGen CN029274, MONDO:0024530, OMIM 158810.

Allele frequency attached by ClinVar (database versions not stated): ESP Exome Variant Server 0.00023; gnomAD 0.00112 and 0.00113; 1000 Genomes Project 30x 0.00141; gnomAD exomes 0.00142; TOPMed 0.00172; ExAC 0.00173; 1000 Genomes Project 0.00180.
gnomAD v4.1: 1,034 of 1,597,858 alleles (0.065%); highest among the groups gnomAD compares: Admixed American, 0.61%; 5 homozygotes.

Submissions (6):

CeGaT Center for Human Genetics Tuebingen
Classification: Likely benign. Last evaluated: 2026-09-01. Review status: criteria provided, single submitter. Criteria: CeGaT Center For Human Genetics Tuebingen Variant Classification Criteria Version 2. Collection method: clinical testing. Allele origin: germline. Affected: yes. Observed: 7 variant alleles.
Comment: COL6A2: BS2

Labcorp Genetics (formerly Invitae), Labcorp
Classification: Likely benign for Bethlem myopathy 1A. Last evaluated: 2026-01-30. Review status: criteria provided, single submitter. Criteria: Invitae Variant Classification Sherloc (09022015). Collection method: clinical testing. Allele origin: germline.

GeneDx
Classification: Likely benign. Last evaluated: 2020-02-11. Review status: criteria provided, single submitter. Criteria: GeneDx Variant Classification Process June 2021. Collection method: clinical testing. Allele origin: germline. Affected: yes.
Comment: This variant is associated with the following publications: (PMID: 24038877, 32528171)

Athena Diagnostics
Classification: Benign. Last evaluated: 2018-11-26. Review status: criteria provided, single submitter. Criteria: Athena Diagnostics Criteria. Collection method: clinical testing. Allele origin: germline.

Eurofins Ntd Llc (ga)
Classification: Likely benign. Last evaluated: 2015-08-17. Review status: criteria provided, single submitter. Criteria: EGL Classification Definitions 2015. Collection method: clinical testing. Allele origin: germline. Observed: 1 variant allele, 1 heterozygote.

PreventionGenetics, part of Exact Sciences
Classification: Likely benign for COL6A2-related condition. Last evaluated: 2020-04-01. Review status: no assertion criteria provided. Collection method: clinical testing. Allele origin: germline. Not counted in ClinVar's aggregate classification.
Comment: This variant is classified as likely benign based on ACMG/AMP sequence variant interpretation guidelines (Richards et al. 2015 PMID: 25741868, with internal and published modifications).